The following is an entry in ClinVar:

NM_000142.5(FGFR3):c.2351G>A (p.Gly784Glu)

Gene: FGFR3 (fibroblast growth factor receptor 3; plus strand). Cytogenetic location: 4p16.3.
Variant type: single nucleotide variant.
Coding change: c.2351G>A on transcript NM_000142.5 (MANE Select); coding-DNA position 2351, G replaced by A.
Protein change: p.Gly784Glu; replaces glycine 784 with glutamic acid.
Molecular consequence: missense variant. On other transcripts: synonymous variant (1), non-coding transcript variant (1).
Genome position (GRCh38, 1-based): chr4:1,807,192, G>A. VCF-style: chr4-1807192-G-A. GRCh37 (hg19) VCF-style: chr4-1808919-G-A.
Other names: c.2357G>A, p.Gly786Glu (NM_001163213.2); c.2354G>A, p.Gly785Glu (NM_001354809.2); c.2283G>A, p.Arg761= (NM_001354810.2); c.2015G>A, p.Gly672Glu (NM_022965.4); short protein forms G784E, G786E, G672E, G785E.
Identifiers: ClinVar variation 3278669 (VCV003278669.5).

ClinVar aggregate classification (germline): Uncertain significance. Review status: criteria provided, multiple submitters, no conflicts (2 of 4 stars). 5 submissions from 5 submitters: Uncertain significance (5). Last evaluated 2026-06-18.

Conditions:
Inborn genetic diseases. Identifiers: MedGen C0950123, MeSH D030342.
FGFR3-related disorder. Also called: FGFR3-related disorders.

gnomAD v4.1: 9 of 1,607,472 alleles (0.00056%); highest among the groups gnomAD compares: Admixed American, 0.013%; no homozygotes.

Submissions (5):

Women's Health and Genetics/Laboratory Corporation of America, LabCorp
Classification: Uncertain significance. Last evaluated: 2026-06-18. Review status: criteria provided, single submitter. Criteria: LabCorp Variant Classification Summary - May 2015. Collection method: clinical testing. Allele origin: germline.
Comment: Variant summary: FGFR3 c.2351G>A (p.Gly784Glu) results in a non-conservative amino acid change in the encoded protein sequence. Algorithms developed to predict the effect of missense changes on protein structure and function all suggest that this variant is likely to be disruptive. The variant allele was found at a frequency of 8.6e-06 in 231248 control chromosomes. The available data on variant occurrences in the general population are insufficient to allow any conclusion about variant significance. To our knowledge, no occurrence of c.2351G>A in individuals affected with FGFR3-related conditions and no experimental evidence demonstrating its impact on protein function have been reported. ClinVar contains an entry for this variant (Variation ID: 3278669). Based on the evidence outlined above, the variant was classified as uncertain significance.

Labcorp Genetics (formerly Invitae), Labcorp
Classification: Uncertain significance. Last evaluated: 2025-11-28. Review status: criteria provided, single submitter. Criteria: Invitae Variant Classification Sherloc (09022015). Collection method: clinical testing. Allele origin: germline.
Comment: This sequence change replaces glycine, which is neutral and non-polar, with glutamic acid, which is acidic and polar, at codon 784 of the FGFR3 protein (p.Gly784Glu). The frequency data for this variant in the population databases is considered unreliable, as metrics indicate poor data quality at this position in the gnomAD database. This variant has not been reported in the literature in individuals affected with FGFR3-related conditions. ClinVar contains an entry for this variant (Variation ID: 3278669). Invitae Evidence Modeling of protein sequence and biophysical properties (such as structural, functional, and spatial information, amino acid conservation, physicochemical variation, residue mobility, and thermodynamic stability) indicates that this missense variant is not expected to disrupt FGFR3 protein function with a negative predictive value of 80%. In summary, the available evidence is currently insufficient to determine the role of this variant in disease. Therefore, it has been classified as a Variant of Uncertain Significance.

PreventionGenetics, part of Exact Sciences
Classification: Uncertain significance for FGFR3-related condition. Last evaluated: 2025-07-25. Review status: criteria provided, single submitter. Criteria: ACMG Guidelines, 2015. Collection method: clinical testing. Allele origin: germline.
Comment: The FGFR3 c.2351G>A variant is predicted to result in the amino acid substitution p.Gly784Glu. To our knowledge, this variant has not been reported in the literature. This variant is reported in 0.0059% of alleles in individuals of Latino descent in gnomAD. At this time, the clinical significance of this variant is uncertain due to the absence of conclusive functional and genetic evidence.

GeneDx
Classification: Uncertain significance. Last evaluated: 2025-04-29. Review status: criteria provided, single submitter. Criteria: GeneDx Variant Classification Process June 2021. Collection method: clinical testing. Allele origin: germline. Affected: yes.
Comment: In silico analysis supports that this missense variant has a deleterious effect on protein structure/function; Has not been previously published as pathogenic or benign to our knowledge

Ambry Genetics
Classification: Uncertain significance for Inborn genetic diseases. Last evaluated: 2024-05-26. Review status: criteria provided, single submitter. Criteria: Ambry Variant Classification Scheme 2023. Collection method: clinical testing. Allele origin: germline.